The following is an entry in ClinVar:

NM_197968.4(ZMYM2):c.273A>T (p.Glu91Asp)

Gene: ZMYM2 (zinc finger MYM-type containing 2; plus strand). Cytogenetic location: 13q12.11.
Variant type: single nucleotide variant.
Coding change: c.273A>T on transcript NM_197968.4 (MANE Select); coding-DNA position 273, A replaced by T.
Protein change: p.Glu91Asp; replaces glutamic acid 91 with aspartic acid.
Molecular consequence: missense variant. On other transcripts: non-coding transcript variant (1).
Genome position (GRCh38, 1-based): chr13:19,993,345, A>T. VCF-style: chr13-19993345-A-T. GRCh37 (hg19) VCF-style: chr13-20567485-A-T.
Other names: c.273A>T, p.Glu91Asp (NM_001190964.4, NM_001190965.4, NM_001353157.2 and 6 more transcripts); c.339A>T, p.Glu113Asp (NM_001353161.3); short protein forms E113D, E91D.
Identifiers: ClinVar variation 2497925 (VCV002497925.1), dbSNP rs1949777098, ClinGen allele CA387666217.
Genomic context (GRCh38, chr13:19,993,345, plus strand): 5'-TTCTGTACCAGTGGTAGCTGATCAAAGAACCATAACATTTACATCATCAAAAAATGAAGA[A>T]CTACAAGGAAATGATTCCAAAATTACTCCTTCCTCAAAAGAGTTGGCATCTCAGAAGGGA-3'
Protein context (NP_932072.1, residues 81-101): TITFTSSKNE[Glu91Asp]LQGNDSKITP

ClinVar aggregate classification (germline): Uncertain significance (1 of 4 stars; one submission).

Submission:

GeneDx
Classification: Uncertain significance. Last evaluated: 2022-10-09. Review status: criteria provided, single submitter. Criteria: GeneDx Variant Classification Process June 2021. Collection method: clinical testing. Allele origin: germline. Affected: yes.
Comment: Not observed at significant frequency in large population cohorts (gnomAD); In silico analysis supports that this missense variant does not alter protein structure/function; Has not been previously published as pathogenic or benign to our knowledge